The following is an entry in ClinVar:

NM_000153.4(GALC):c.582+5G>A

Gene: GALC (galactosylceramidase; minus strand). Cytogenetic location: 14q31.3.
Variant type: single nucleotide variant.
Coding change: c.582+5G>A on transcript NM_000153.4 (MANE Select); 5 bases into the intron after coding-DNA position 582, G replaced by A.
Molecular consequence: intron variant.
Genome position (GRCh38, 1-based): chr14:87,984,389, C>T on the plus strand (G>A on the coding strand, the complement: GALC is on the minus strand). VCF-style: chr14-87984389-C-T. GRCh37 (hg19) VCF-style: chr14-88450733-C-T.
Other names: c.504+5G>A (NM_001201402.2); c.513+5G>A (NM_001201401.2).
Identifiers: ClinVar variation 551773 (VCV000551773.5), dbSNP rs757016859, ClinGen allele CA7297329.
Genomic context (GRCh38, chr14:87,984,389, plus strand): 5'-CAAATTATTTTCTAAATTACAAACAAATGTCCAAAACTGAATCATATTTTAAATATATTA[C>T]TAACTCCAATATAATCAATGTCCAAATCATGGTAACGCTTGGCGCCCACAATCCAGGTCA-3'

ClinVar aggregate classification (germline): Uncertain significance. Review status: criteria provided, multiple submitters, no conflicts (2 of 4 stars). 4 submissions from 4 submitters: Uncertain significance (3). 1 of the submissions does not count toward it. Last evaluated 2026-08-06.

Conditions:
Galactosylceramide beta-galactosidase deficiency. Also called: Leukodystrophy, Globoid Cell; Krabbe Disease; GALACTOCEREBROSIDASE DEFICIENCY; GALC DEFICIENCY; GLOBOID CELL LEUKOENCEPHALOPATHY. Identifiers: Orphanet 487, MedGen C0023521, MONDO:0009499, OMIM 245200.

Allele frequency attached by ClinVar (database versions not stated): ExAC 0.00001; gnomAD exomes 0.00002 and 0.00001; gnomAD 0.00001; TOPMed 0.00001.

Submissions (4):

OLLIN Analises Genomicas, OLLIN
Classification: Uncertain significance for Galactosylceramide beta-galactosidase deficiency. Last evaluated: 2026-08-06. Review status: criteria provided, single submitter. Criteria: ACMG Guidelines 2015 PMID 25741868. Collection method: clinical testing. Allele origin: germline. Inheritance: Autosomal recessive inheritance.
Comment: This variant, has been reported in ClinVar (accession VCV000551773.4) and in gnomAD with an allele frequency of 0.0021%. However, to our knowledge, it has not been reported in the scientific literature. Another pathogenic variant has been reported to result in the same amino acid substitution. According to the currently available evidence, this variant has been classified as uncertain significance (PS1_P, PM2_P, PP3).

Victorian Clinical Genetics Services, Murdoch Childrens Research Institute
Classification: Uncertain significance for Galactosylceramide beta-galactosidase deficiency. Last evaluated: 2025-10-13. Review status: criteria provided, single submitter. Criteria: ACMG Guidelines, 2015. Collection method: clinical testing. Allele origin: germline. Affected: no.
Comment: This variant is classified as VUS-3A. Evidence in support of pathogenic classification: Non-canonical splice site variant without proven consequence on splicing (no functional evidence available); Variant is present in gnomAD <0.01 for a recessive condition (v4: 34 heterozygote(s), 0 homozygote(s)); Abnormal splicing is predicted by in silico tool and affected nucleotide is highly conserved. Additional information: This variant is heterozygous; This gene is associated with autosomal recessive disease; Previous evidence of pathogenicity for this variant is inconclusive. This variant has been classified as a VUS twice by clinical laboratories (ClinVar). This variant has been reported in an infant with low GALC activity through newborn metabolic screening (PMID: 26795590); No published evidence of segregation with disease has been identified for this variant; No published functional evidence has been identified for this variant; No comparable non-canonical splice site variants have previous evidence for pathogenicity; Loss of function is a known mechanism of disease in this gene and is associated with Krabbe disease (MIM#245200); Variants in this gene are known to have variable expressivity. Disease severity and age of onset can be highly variable (PMID: 33178108).

Fulgent Genetics
Classification: Uncertain significance for Galactosylceramide beta-galactosidase deficiency. Last evaluated: 2022-01-07. Review status: criteria provided, single submitter. Criteria: ACMG Guidelines, 2015. Collection method: clinical testing. Allele origin: unknown.

Counsyl
Classification: Uncertain significance for Galactosylceramide beta-galactosidase deficiency. Last evaluated: 2017-05-15. Review status: no assertion criteria provided. Collection method: clinical testing. Allele origin: unknown. Not counted in ClinVar's aggregate classification.

Literature cited by the submitters: PubMed 26795590 (cited by Victorian Clinical Genetics Services, Murdoch Childrens Research Institute and Counsyl); PubMed 33178108 (cited by Victorian Clinical Genetics Services, Murdoch Childrens Research Institute).